The following is an entry in ClinVar:

NM_001197104.2(KMT2A):c.5455C>T (p.Gln1819Ter)

Gene: KMT2A (lysine methyltransferase 2A; plus strand). Cytogenetic location: 11q23.3.
Variant type: single nucleotide variant.
Coding change: c.5455C>T on transcript NM_001197104.2 (MANE Select); coding-DNA position 5455, C replaced by T.
Protein change: p.Gln1819Ter; replaces glutamine 1819 with a stop codon.
Molecular consequence: nonsense.
Genome position (GRCh38, 1-based): chr11:118,495,791, C>T. VCF-style: chr11-118495791-C-T. GRCh37 (hg19) VCF-style: chr11-118366506-C-T.
Other names: c.5446C>T, p.Gln1816Ter (NM_005933.4); short protein forms Q1816*, Q1819*.
Identifiers: ClinVar variation 1334646 (VCV001334646.5), dbSNP rs2134355176, ClinGen allele CA382838810.

ClinVar aggregate classification (germline): Pathogenic (1 of 4 stars; one submission).

Conditions:
Wiedemann-Steiner syndrome (WDSTS). Also called: Growth deficiency and mental retardation with facial dysmorphism. Identifiers: Orphanet 319182, MedGen C1854630, MONDO:0011518, OMIM 605130.

Submission:

Greenwood Genetic Center Diagnostic Laboratories, Greenwood Genetic Center
Classification: Pathogenic for Wiedemann-Steiner syndrome. Last evaluated: 2022-11-10. Review status: criteria provided, single submitter. Criteria: ACMG Guidelines, 2015. Collection method: clinical testing. Allele origin: germline. Affected: yes.
Comment: PVS1, PS3_moderate, PM2